The following is an entry in ClinVar:

ClinVar aggregate classification (germline): Conflicting classifications of pathogenicity. Review status: criteria provided, conflicting classifications (1 of 4 stars). 3 submissions from 3 submitters: Uncertain significance (2); Likely benign (1). Last evaluated 2025-09-15.

Conditions:
Generalized epilepsy-paroxysmal dyskinesia syndrome (PNKD3). Also called: Generalized epilepsy and paroxysmal dyskinesia; Paroxysmal nonkinesigenic dyskinesia, 3, with or without generalized epilepsy. Identifiers: Orphanet 79137, MedGen C5574945, MONDO:0012276, OMIM 609446.

Allele frequency attached by ClinVar (database versions not stated): gnomAD exomes 0.00005 and 0.00009; TOPMed 0.00007; ExAC 0.00008; ESP Exome Variant Server 0.00008; gnomAD 0.00008 and 0.00009.
gnomAD v4.1: 90 of 1,613,724 alleles (0.0056%); highest among the groups gnomAD compares: South Asian, 0.025%; no homozygotes.

Submissions (3):

Labcorp Genetics (formerly Invitae), Labcorp
Classification: Uncertain significance for Generalized epilepsy-paroxysmal dyskinesia syndrome. Last evaluated: 2025-09-15. Review status: criteria provided, single submitter. Criteria: Invitae Variant Classification Sherloc (09022015). Collection method: clinical testing. Allele origin: germline.
Comment: This sequence change falls in intron 14 of the KCNMA1 gene. It does not directly change the encoded amino acid sequence of the KCNMA1 protein. It affects a nucleotide within the consensus splice site. This variant is present in population databases (rs373648078, gnomAD 0.03%). This variant has not been reported in the literature in individuals affected with KCNMA1-related conditions. ClinVar contains an entry for this variant (Variation ID: 647133). Variants that disrupt the consensus splice site are a relatively common cause of aberrant splicing (PMID: 17576681, 9536098). Algorithms developed to predict the effect of sequence changes on RNA splicing suggest that this variant is not likely to affect RNA splicing. In summary, the available evidence is currently insufficient to determine the role of this variant in disease. Therefore, it has been classified as a Variant of Uncertain Significance.

GeneDx
Classification: Likely benign. Last evaluated: 2020-01-07. Review status: criteria provided, single submitter. Criteria: GeneDx Variant Classification Process June 2021. Collection method: clinical testing. Allele origin: germline. Affected: yes.

Illumina Laboratory Services, Illumina
Classification: Uncertain significance for Generalized epilepsy-paroxysmal dyskinesia syndrome. Last evaluated: 2018-01-13. Review status: criteria provided, single submitter. Criteria: ICSL Variant Classification Criteria 13 December 2019. Collection method: clinical testing. Allele origin: germline.

Literature cited by the submitters: PubMed 17576681 (cited by Labcorp Genetics (formerly Invitae), Labcorp); PubMed 9536098 (cited by Labcorp Genetics (formerly Invitae), Labcorp).

NM_001161352.2(KCNMA1):c.1749+6G>A

Gene: KCNMA1 (potassium calcium-activated channel subfamily M alpha 1; minus strand). Cytogenetic location: 10q22.3.
Variant type: single nucleotide variant.
Coding change: c.1749+6G>A on transcript NM_001161352.2 (MANE Select); 6 bases into the intron after coding-DNA position 1749, G replaced by A.
Molecular consequence: intron variant.
Genome position (GRCh38, 1-based): chr10:77,073,091, C>T on the plus strand (G>A on the coding strand, the complement: KCNMA1 is on the minus strand). VCF-style: chr10-77073091-C-T. GRCh37 (hg19) VCF-style: chr10-78832849-C-T.
Other names: c.1587+6G>A (NM_001271518.2); c.1749+6G>A (NM_001322832.2, NM_001322829.2, NM_001014797.3 and 7 more transcripts); c.1209+6G>A (NM_001322838.2).
Identifiers: ClinVar variation 647133 (VCV000647133.15), dbSNP rs373648078, ClinGen allele CA5568367.